The following is an entry in ClinVar:

ClinVar aggregate classification (germline): Uncertain significance. Review status: criteria provided, multiple submitters, no conflicts (2 of 4 stars). 3 submissions from 3 submitters: Uncertain significance (2). 1 of the submissions does not count toward it. Last evaluated 2024-10-26.

Conditions:
Retinal dystrophy. Also called: Inherited retinal dystrophy. Identifiers: Orphanet 71862, MedGen C0854723, MeSH D058499, MONDO:0019118, HP:0000556.

Allele frequency attached by ClinVar (database versions not stated): ExAC 0.00001.

Submissions (3):

Labcorp Genetics (formerly Invitae), Labcorp
Classification: Uncertain significance. Last evaluated: 2024-10-26. Review status: criteria provided, single submitter. Criteria: Invitae Variant Classification Sherloc (09022015). Collection method: clinical testing. Allele origin: germline.
Comment: This sequence change replaces threonine, which is neutral and polar, with isoleucine, which is neutral and non-polar, at codon 1889 of the VCAN protein (p.Thr1889Ile). This variant is not present in population databases (gnomAD no frequency). This variant has not been reported in the literature in individuals affected with VCAN-related conditions. ClinVar contains an entry for this variant (Variation ID: 1313351). An algorithm developed to predict the effect of missense changes on protein structure and function (PolyPhen-2) suggests that this variant is likely to be disruptive. In summary, the available evidence is currently insufficient to determine the role of this variant in disease. Therefore, it has been classified as a Variant of Uncertain Significance.

GeneDx
Classification: Uncertain significance. Last evaluated: 2020-10-19. Review status: criteria provided, single submitter. Criteria: GeneDx Variant Classification Process June 2021. Collection method: clinical testing. Allele origin: germline. Affected: yes.
Comment: In silico analysis supports that this missense variant does not alter protein structure/function; Has not been previously published as pathogenic or benign to our knowledge

Institute of Human Genetics, Univ. Regensburg, Univ. Regensburg
Classification: Uncertain significance for Retinal dystrophy. Last evaluated: 2022-01-01. Review status: no assertion criteria provided. Criteria: ACMG Guidelines, 2015. Collection method: clinical testing. Allele origin: germline. Affected: yes. Not counted in ClinVar's aggregate classification.

NM_004385.5(VCAN):c.5666C>T (p.Thr1889Ile)

Genes: VCAN (versican; plus strand), VCAN-AS1 (VCAN antisense RNA 1; minus strand). Cytogenetic location: 5q14.3.
Variant type: single nucleotide variant.
Coding change: c.5666C>T on transcript NM_004385.5 (MANE Select); coding-DNA position 5666, C replaced by T.
Protein change: p.Thr1889Ile; replaces threonine 1889 with isoleucine.
Molecular consequence: missense variant. On other transcripts: intron variant (2).
Genome position (GRCh38, 1-based): chr5:83,538,669, C>T. VCF-style: chr5-83538669-C-T. GRCh37 (hg19) VCF-style: chr5-82834488-C-T.
Other names: c.2705C>T, p.Thr902Ile (NM_001164097.2); c.4004-6868C>T (NM_001164098.2); c.1043-6868C>T (NM_001126336.3); short protein forms T1889I, T902I.
Identifiers: ClinVar variation 1313351 (VCV001313351.8), dbSNP rs780568053, ClinGen allele CA3333367.